The following is an entry in ClinVar:

ClinVar aggregate classification (germline): Likely benign (1 of 4 stars; one submission).

gnomAD v4.1: 91 of 1,613,706 alleles (0.0056%); highest among the groups gnomAD compares: Middle Eastern, 0.016%; no homozygotes.

Submission:

Molecular Diagnostic Laboratory for Inherited Cardiovascular Disease, Montreal Heart Institute
Classification: Likely benign. Last evaluated: 2025-04-09. Review status: criteria provided, single submitter. Criteria: ACMG Guidelines, 2015. Collection method: clinical testing. Allele origin: germline. Affected: no.
Comment: PM2, BP4

NM_198060.4(NRAP):c.1256G>A (p.Arg419His)

Gene: NRAP (nebulin related anchoring protein; minus strand). Cytogenetic location: 10q25.3.
Variant type: single nucleotide variant.
Coding change: c.1256G>A on transcript NM_198060.4 (MANE Select); coding-DNA position 1256, G replaced by A.
Protein change: p.Arg419His; replaces arginine 419 with histidine.
Molecular consequence: missense variant.
Genome position (GRCh38, 1-based): chr10:113,641,432, C>T on the plus strand (G>A on the coding strand, the complement: NRAP is on the minus strand). VCF-style: chr10-113641432-C-T. GRCh37 (hg19) VCF-style: chr10-115401191-C-T.
Other names: c.1256G>A, p.Arg419His (NM_001261463.2, NM_001322945.2); c.1151G>A, p.Arg384His (NM_006175.5); short protein forms R384H, R419H.
Identifiers: ClinVar variation 3895312 (VCV003895312.1), dbSNP rs138124439.